The following is an entry in ClinVar:

ClinVar aggregate classification (germline): Uncertain significance (1 of 4 stars; one submission).

Conditions:
Cardiomyopathy (CMYO). Also called: Cardiomyopathies. Identifiers: Orphanet 167848, MedGen C0878544, MONDO:0004994, HP:0001638. Inheritance: Various modes of inheritance.

Submission:

Petrovsky National Research Centre of Surgery, The Federal Agency for Scientific Organizations
Classification: Uncertain significance for Cardiomyopathy. Last evaluated: 2025-11-18. Review status: criteria provided, single submitter. Criteria: ACMG Guidelines, 2015. Collection method: clinical testing. Allele origin: germline. Affected: yes.
Comment: The variant is extremely rare in population databases (gnomAD v4.1.0 MAF 0.0000006206). In accordance with ACMG (2015) criteria, this variant is classified as Variant of Uncertain Significance (Class III) with the following criteria applied: PM2, PP3.

NM_006514.4(SCN10A):c.407T>C (p.Ile136Thr)

Gene: SCN10A (sodium voltage-gated channel alpha subunit 10; minus strand). Cytogenetic location: 3p22.2.
Variant type: single nucleotide variant.
Coding change: c.407T>C on transcript NM_006514.4 (MANE Select); coding-DNA position 407, T replaced by C.
Protein change: p.Ile136Thr; replaces isoleucine 136 with threonine.
Molecular consequence: missense variant.
Genome position (GRCh38, 1-based): chr3:38,789,019, A>G on the plus strand (T>C on the coding strand, the complement: SCN10A is on the minus strand). VCF-style: chr3-38789019-A-G. GRCh37 (hg19) VCF-style: chr3-38830510-A-G.
Other names: c.407T>C, p.Ile136Thr (NM_001293306.2, NM_001293307.2); short protein forms I136T.
Identifiers: ClinVar variation 4530681 (VCV004530681.1).